The following is an entry in ClinVar:

ClinVar aggregate classification (germline): Uncertain significance. Review status: criteria provided, multiple submitters, no conflicts (2 of 4 stars). 2 submissions from 2 submitters: Uncertain significance (2). Last evaluated 2022-06-18.

Conditions:
Fanconi anemia complementation group J. Also called: BRIP1-Related Fanconi Anemia. Identifiers: Orphanet 84, MedGen C1836860, MONDO:0012187, OMIM 609054.
Familial cancer of breast. Also called: BREAST CANCER, FAMILIAL; Hereditary breast cancer; hereditary breast carcinoma. Identifiers: Orphanet 227535, MedGen C0346153, MONDO:0016419, OMIM 114480. Disease mechanism: loss of function.
Hereditary cancer-predisposing syndrome. Also called: Tumor predisposition; Neoplastic Syndromes, Hereditary; Hereditary Cancer Syndrome; Hereditary neoplastic syndrome. Identifiers: Orphanet 140162, MedGen C0027672, MeSH D009386, MONDO:0015356.

Submissions (2):

Labcorp Genetics (formerly Invitae), Labcorp
Classification: Uncertain significance for Familial cancer of breast; Fanconi anemia complementation group J. Last evaluated: 2022-06-18. Review status: criteria provided, single submitter. Criteria: Invitae Variant Classification Sherloc (09022015). Collection method: clinical testing. Allele origin: germline.
Comment: In summary, the available evidence is currently insufficient to determine the role of this variant in disease. Therefore, it has been classified as a Variant of Uncertain Significance. Algorithms developed to predict the effect of missense changes on protein structure and function are either unavailable or do not agree on the potential impact of this missense change (SIFT: "Tolerated"; PolyPhen-2: "Probably Damaging"; Align-GVGD: "Class C0"). This sequence change replaces glycine, which is neutral and non-polar, with arginine, which is basic and polar, at codon 677 of the BRIP1 protein (p.Gly677Arg). This variant is not present in population databases (gnomAD no frequency). This variant has not been reported in the literature in individuals affected with BRIP1-related conditions. ClinVar contains an entry for this variant (Variation ID: 479439).

Ambry Genetics
Classification: Uncertain significance for Hereditary cancer-predisposing syndrome. Last evaluated: 2016-07-14. Review status: criteria provided, single submitter. Criteria: Ambry Variant Classification Scheme 2023. Collection method: clinical testing. Allele origin: germline.
Comment: The p.G677R variant (also known as c.2029G>A), located in coding exon 13 of the BRIP1 gene, results from a G to A substitution at nucleotide position 2029. The glycine at codon 677 is replaced by arginine, an amino acid with dissimilar properties. This variant was not reported in population based cohorts in the following databases: Database of Single Nucleotide Polymorphisms (dbSNP), NHLBI Exome Sequencing Project (ESP), and 1000 Genomes Project. In the ESP, this variant was not observed in 6503 samples (13006 alleles) with coverage at this position. To date, this alteration has been detected with an allele frequency of approximately 0.001% (greater than 175000 alleles tested) in our clinical cohort. This amino acid position is highly conserved in available vertebrate species. In addition, this alteration is predicted to be deleterious by in silico analysis. Since supporting evidence is limited at this time, the clinical significance of this alteration remains unclear.

NM_032043.3(BRIP1):c.2029G>A (p.Gly677Arg)

Gene: BRIP1 (BRCA1 interacting DNA helicase 1; minus strand). Cytogenetic location: 17q23.2.
Variant type: single nucleotide variant.
Coding change: c.2029G>A on transcript NM_032043.3 (MANE Select); coding-DNA position 2029, G replaced by A.
Protein change: p.Gly677Arg; replaces glycine 677 with arginine.
Molecular consequence: missense variant.
Genome position (GRCh38, 1-based): chr17:61,776,469, C>T on the plus strand (G>A on the coding strand, the complement: BRIP1 is on the minus strand). VCF-style: chr17-61776469-C-T. GRCh37 (hg19) VCF-style: chr17-59853830-C-T.
Other names: short protein forms G677R.
Identifiers: ClinVar variation 479439 (VCV000479439.16), dbSNP rs1555601069, ClinGen allele CA400478271.
Genomic context (GRCh38, chr17:61,776,469, plus strand): 5'-ATGGCAAGAAACACAAAATTCCTTGGCTCACAGTCTGGCACACAGATAACAAAAGTGCTC[C>T]CACTTCATCTTGGAACTCAAATGTTTCAGTATTCTGGAAGGTAGCACAGAGATTCCGACC-3'
Protein context (NP_114432.2, residues 667-687): TETFEFQDEV[Gly677Arg]ALLLSVCQTV